The following is an entry in ClinVar:

ClinVar aggregate classification (germline): Uncertain significance. Review status: criteria provided, multiple submitters, no conflicts (2 of 4 stars). 5 submissions from 5 submitters: Uncertain significance (5). Last evaluated 2026-06-17.

Conditions:
Hereditary cancer-predisposing syndrome. Also called: Tumor predisposition; Neoplastic Syndromes, Hereditary; Hereditary Cancer Syndrome; Hereditary neoplastic syndrome. Identifiers: Orphanet 140162, MedGen C0027672, MeSH D009386, MONDO:0015356.
Familial cancer of breast. Also called: hereditary breast carcinoma; BREAST CANCER, FAMILIAL; Hereditary breast cancer. Identifiers: Orphanet 227535, MedGen C0346153, MONDO:0016419, OMIM 114480. Disease mechanism: loss of function.

Allele frequency attached by ClinVar (database versions not stated): gnomAD exomes 0.00002 and 0.00005; TOPMed below 0.00001; gnomAD 0.00001; ExAC 0.00007.
gnomAD v4.1: 37 of 1,613,822 alleles (0.0023%); highest among the groups gnomAD compares: South Asian, 0.038%; no homozygotes.

Submissions (5):

Ambry Genetics
Classification: Uncertain significance for Hereditary cancer-predisposing syndrome. Last evaluated: 2026-06-17. Review status: criteria provided, single submitter. Criteria: Ambry Variant Classification Scheme 2023. Collection method: clinical testing. Allele origin: germline.

Labcorp Genetics (formerly Invitae), Labcorp
Classification: Uncertain significance for Familial cancer of breast. Last evaluated: 2026-01-14. Review status: criteria provided, single submitter. Criteria: Invitae Variant Classification Sherloc (09022015). Collection method: clinical testing. Allele origin: germline.
Comment: This sequence change replaces serine, which is neutral and polar, with cysteine, which is neutral and slightly polar, at codon 53 of the CHEK2 protein (p.Ser53Cys). This variant is present in population databases (rs753204096, gnomAD 0.04%), and has an allele count higher than expected for a pathogenic variant. This missense change has been observed in individual(s) with breast cancer (PMID: 33646313). ClinVar contains an entry for this variant (Variation ID: 230067). An algorithm developed to predict the effect of missense changes on protein structure and function (PolyPhen-2) suggests that this variant is likely to be disruptive. Experimental studies have shown that this missense change does not substantially affect CHEK2 function (PMID: 37449874). In summary, the available evidence is currently insufficient to determine the role of this variant in disease. Therefore, it has been classified as a Variant of Uncertain Significance.

Color Diagnostics, LLC DBA Color Health
Classification: Uncertain significance for Hereditary cancer-predisposing syndrome. Last evaluated: 2025-12-16. Review status: criteria provided, single submitter. Criteria: ACMG Guidelines, 2015. Collection method: clinical testing. Allele origin: germline.
Comment: This missense variant replaces serine with cysteine at codon 53 of the CHEK2 protein. Computational prediction suggests that this variant may not impact protein structure and function. Functional studies have reported this variant behaves like wild-type CHEK2 in CHK2 autophosphorylation and KAP1 kinase assays (PMID: 37449874). This variant has been reported in an individual affected with breast cancer (PMID: 33646313). This variant has been identified in 37/1613822 chromosomes in the general population by the Genome Aggregation Database (gnomAD). The available evidence is insufficient to determine the role of this variant in disease conclusively. Therefore, this variant is classified as a Variant of Uncertain Significance.

GeneDx
Classification: Uncertain significance. Last evaluated: 2022-12-14. Review status: criteria provided, single submitter. Criteria: GeneDx Variant Classification Process June 2021. Collection method: clinical testing. Allele origin: germline. Affected: yes.
Comment: Not observed at significant frequency in large population cohorts (gnomAD); In silico analysis supports that this missense variant has a deleterious effect on protein structure/function; Observed in an individual with breast or ovarian cancer (George et al., 2021); This variant is associated with the following publications: (PMID: 22114986, 11733767, 33646313)

Women's Health and Genetics/Laboratory Corporation of America, LabCorp
Classification: Uncertain significance. Last evaluated: 2019-12-10. Review status: criteria provided, single submitter. Criteria: LabCorp Variant Classification Summary - May 2015. Collection method: clinical testing. Allele origin: germline.
Comment: Variant summary: CHEK2 c.158C>G (p.Ser53Cys) results in a non-conservative amino acid change in the encoded protein sequence. Five of five in-silico tools predict a damaging effect of the variant on protein function. The variant allele was found at a frequency of 5.2e-05 in 251428 control chromosomes, predominantly at a frequency of 0.00042 within the South Asian subpopulation in the gnomAD database. The observed variant frequency within South Asian control individuals in the gnomAD database is approximately 1.34 fold of the estimated maximal expected allele frequency for a pathogenic variant in CHEK2 causing Breast Cancer phenotype (0.00031), strongly suggesting that the variant is a benign polymorphism found primarily in populations of South Asian origin. However, this data is not completely reliable due to the known pseudogene in CHEK2.To our knowledge, no occurrence of c.158C>G in individuals affected with Breast Cancer and no experimental evidence demonstrating its impact on protein function have been reported. Four other ClinVar submitters (evaluation after 2014) cite the variant as uncertain significance. Based on the evidence outlined above, the variant was classified as VUS possibly-benign.

Literature cited by the submitters: PubMed 33646313 (cited by Labcorp Genetics (formerly Invitae), Labcorp and Color Diagnostics, LLC DBA Color Health); PubMed 37449874 (cited by Labcorp Genetics (formerly Invitae), Labcorp and Color Diagnostics, LLC DBA Color Health).

NM_007194.4(CHEK2):c.158C>G (p.Ser53Cys)

Gene: CHEK2 (checkpoint kinase 2; minus strand). Cytogenetic location: 22q12.1.
Variant type: single nucleotide variant.
Coding change: c.158C>G on transcript NM_007194.4 (MANE Select); coding-DNA position 158, C replaced by G.
Protein change: p.Ser53Cys; replaces serine 53 with cysteine.
Molecular consequence: missense variant.
Genome position (GRCh38, 1-based): chr22:28,734,564, G>C on the plus strand (C>G on the coding strand, the complement: CHEK2 is on the minus strand). VCF-style: chr22-28734564-G-C. GRCh37 (hg19) VCF-style: chr22-29130552-G-C.
Other names: c.158C>G, p.Ser53Cys (NM_001349956.3, NM_145862.3, NM_001005735.3); c.-620C>G (NM_001257387.3); short protein forms S53C.
Identifiers: ClinVar variation 230067 (VCV000230067.23), dbSNP rs753204096, ClinGen allele CA10168065.